The following is an entry in ClinVar:

NM_001354930.2(RIPK1):c.973T>C (p.Cys325Arg)

Gene: RIPK1 (receptor interacting serine/threonine kinase 1; plus strand). Cytogenetic location: 6p25.2.
Variant type: single nucleotide variant.
Coding change: c.973T>C on transcript NM_001354930.2 (MANE Select); coding-DNA position 973, T replaced by C.
Protein change: p.Cys325Arg; replaces cysteine 325 with arginine.
Molecular consequence: missense variant.
Genome position (GRCh38, 1-based): chr6:3,104,282, T>C. VCF-style: chr6-3104282-T-C. GRCh37 (hg19) VCF-style: chr6-3104516-T-C.
Other names: c.484T>C, p.Cys162Arg (NM_001317061.3, NM_001354932.2, NM_001354933.2 and 1 more transcripts); c.835T>C, p.Cys279Arg (NM_001354931.2); c.973T>C, p.Cys325Arg (NM_003804.6); short protein forms C162R, C325R, C279R.
Identifiers: ClinVar variation 2782302 (VCV002782302.3), dbSNP rs759456633, ClinGen allele CA362570203.
Genomic context (GRCh38, chr6:3,104,282, plus strand): 5'-TAGAAAGAGTATTCAAACGAAAATGCAGTTGTGAAGAGAATGCAGTCTCTTCAACTTGAT[T>C]GTGTGGCAGTACCTTCAAGCCGGTCAAATTCAGGTAAATTACACTATGGTCAAAATCTAT-3'
Protein context (NP_001341859.1, residues 315-335): VKRMQSLQLD[Cys325Arg]VAVPSSRSNS

ClinVar aggregate classification (germline): Uncertain significance (1 of 4 stars; one submission).

Allele frequency attached by ClinVar (database versions not stated): gnomAD 0.00001; TOPMed below 0.00001.
gnomAD v4.1: 2 of 1,602,150 alleles (0.00012%); highest among the groups gnomAD compares: Non-Finnish European, 0.00017%; no homozygotes.

Submission:

Labcorp Genetics (formerly Invitae), Labcorp
Classification: Uncertain significance. Last evaluated: 2025-10-14. Review status: criteria provided, single submitter. Criteria: Invitae Variant Classification Sherloc (09022015). Collection method: clinical testing. Allele origin: germline.
Comment: This sequence change replaces cysteine, which is neutral and slightly polar, with arginine, which is basic and polar, at codon 325 of the RIPK1 protein (p.Cys325Arg). This variant is not present in population databases (gnomAD no frequency). This variant has not been reported in the literature in individuals affected with RIPK1-related conditions. ClinVar contains an entry for this variant (Variation ID: 2782302). An algorithm developed to predict the effect of missense changes on protein structure and function (PolyPhen-2) suggests that this variant is likely to be disruptive. In summary, the available evidence is currently insufficient to determine the role of this variant in disease. Therefore, it has been classified as a Variant of Uncertain Significance.